The following is an entry in ClinVar:

NM_007198.4(PLPBP):c.741dup (p.Gly248fs)

Gene: PLPBP (pyridoxal phosphate binding protein; plus strand). Cytogenetic location: 8p11.23.
Variant type: Duplication.
Coding change: c.741dup on transcript NM_007198.4 (MANE Select); coding-DNA position 741, one base duplicated (T; older notation c.741dupT).
Protein change: p.Gly248fs; shifts the reading frame from glycine 248.
Molecular consequence: frameshift variant.
Genome position (GRCh38, 1-based): chr8:37,778,017, T duplicated; the last of 5 consecutive T bases (chr8:37,778,013-37,778,017); duplicating any one gives the same sequence. VCF-style (leftmost placement, unchanged base first): chr8-37778012-A-AT. GRCh37 (hg19) VCF-style: chr8-37635530-A-AT.
Other names: c.771dup, p.Gly258fs (NM_001349346.2); c.735dup, p.Gly246fs (NM_001349347.2); c.585dup, p.Gly196fs (NM_001349348.2); short protein forms G196fs, G246fs, G248fs, G258fs.
Identifiers: ClinVar variation 2012939 (VCV002012939.4), dbSNP rs1563328705, ClinGen allele CA581102108.

ClinVar aggregate classification (germline): Uncertain significance (1 of 4 stars; one submission).

Submission:

Labcorp Genetics (formerly Invitae), Labcorp
Classification: Uncertain significance. Last evaluated: 2022-09-06. Review status: criteria provided, single submitter. Criteria: Invitae Variant Classification Sherloc (09022015). Collection method: clinical testing. Allele origin: germline.
Comment: In summary, the available evidence is currently insufficient to determine the role of this variant in disease. Therefore, it has been classified as a Variant of Uncertain Significance. Experimental studies and prediction algorithms are not available or were not evaluated, and the functional significance of this variant is currently unknown. This variant has not been reported in the literature in individuals affected with PROSC-related conditions. This variant is present in population databases (no rsID available, gnomAD 0.0009%). This sequence change results in a frameshift in the PROSC gene (p.Gly248Trpfs*41). While this is not anticipated to result in nonsense mediated decay, it is expected to disrupt the last 28 amino acid(s) of the PROSC protein and extend the protein by 12 additional amino acid residues.